The following is an entry in ClinVar:

NM_001759.4(CCND2):c.851_856dup (p.Arg285_Asp286insValArg)

Gene: CCND2 (cyclin D2; plus strand). Cytogenetic location: 12p13.32.
Variant type: Duplication.
Coding change: c.851_856dup on transcript NM_001759.4 (MANE Select); coding-DNA positions 851 to 856, 6 bases duplicated (TGCGGG; older notation c.851_856dupTGCGGG).
Protein change: p.Arg285_Asp286insValArg.
Molecular consequence: inframe insertion.
Genome position (GRCh38, 1-based): chr12:4,299,990-4,299,995, TGCGGG duplicated; duplicating any 6 consecutive bases within chr12:4,299,989-4,299,995 gives the same sequence; the c. name uses the placement nearest the transcript's 3' end. VCF-style (leftmost placement, unchanged base first): chr12-4299988-C-CGTGCGG. GRCh37 (hg19) VCF-style: chr12-4409154-C-CGTGCGG.
Identifiers: ClinVar variation 2577699 (VCV002577699.1), dbSNP rs2497527636, ClinGen allele CA2580617503.

ClinVar aggregate classification (germline): Uncertain significance (1 of 4 stars; one submission).

Submission:

GeneDx
Classification: Uncertain significance. Last evaluated: 2023-02-21. Review status: criteria provided, single submitter. Criteria: GeneDx Variant Classification Process June 2021. Collection method: clinical testing. Allele origin: germline. Affected: yes.
Comment: In-frame duplication of 2 amino acids in a non-repeat region; Not observed at significant frequency in large population cohorts (gnomAD); Has not been previously published as pathogenic or benign to our knowledge